The following is an entry in ClinVar:

ClinVar aggregate classification (germline): Uncertain significance. Review status: criteria provided, multiple submitters, no conflicts (2 of 4 stars). 2 submissions from 2 submitters: Uncertain significance (2). Last evaluated 2024-12-23.

Conditions:
Mosaic variegated aneuploidy syndrome 1 (MVA1). Also called: Warburton-Anyane-Yeboa syndrome. Identifiers: Orphanet 1052, MedGen C1850343, MONDO:0009759, OMIM 257300.
Inborn genetic diseases. Identifiers: MedGen C0950123, MeSH D030342.

gnomAD v4.1: 20 of 1,613,892 alleles (0.0012%); highest among the groups gnomAD compares: Non-Finnish European, 0.0016%; no homozygotes.

Submissions (2):

Labcorp Genetics (formerly Invitae), Labcorp
Classification: Uncertain significance for Mosaic variegated aneuploidy syndrome 1. Last evaluated: 2024-12-23. Review status: criteria provided, single submitter. Criteria: Invitae Variant Classification Sherloc (09022015). Collection method: clinical testing. Allele origin: germline.
Comment: This sequence change replaces glycine, which is neutral and non-polar, with glutamic acid, which is acidic and polar, at codon 376 of the BUB1B protein (p.Gly376Glu). The frequency data for this variant in the population databases is considered unreliable, as metrics indicate poor data quality at this position in the gnomAD database. This variant has not been reported in the literature in individuals affected with BUB1B-related conditions. ClinVar contains an entry for this variant (Variation ID: 1799387). An algorithm developed to predict the effect of missense changes on protein structure and function outputs the following: PolyPhen-2: "Benign". The glutamic acid amino acid residue is found in multiple mammalian species, which suggests that this missense change does not adversely affect protein function. In summary, the available evidence is currently insufficient to determine the role of this variant in disease. Therefore, it has been classified as a Variant of Uncertain Significance.

Ambry Genetics
Classification: Uncertain significance for Inborn genetic diseases. Last evaluated: 2024-04-01. Review status: criteria provided, single submitter. Criteria: Ambry Variant Classification Scheme 2023. Collection method: clinical testing. Allele origin: germline.
Comment: The p.G376E variant (also known as c.1127G>A), located in coding exon 9 of the BUB1B gene, results from a G to A substitution at nucleotide position 1127. The glycine at codon 376 is replaced by glutamic acid, an amino acid with similar properties. This amino acid position is conserved. In addition, this alteration is predicted to be tolerated by in silico analysis. Since supporting evidence is limited at this time, the clinical significance of this alteration remains unclear.

NM_001211.6(BUB1B):c.1127G>A (p.Gly376Glu)

Gene: BUB1B (BUB1 mitotic checkpoint serine/threonine kinase B; plus strand). Cytogenetic location: 15q15.1.
Variant type: single nucleotide variant.
Coding change: c.1127G>A on transcript NM_001211.6 (MANE Select); coding-DNA position 1127, G replaced by A.
Protein change: p.Gly376Glu; replaces glycine 376 with glutamic acid.
Molecular consequence: missense variant.
Genome position (GRCh38, 1-based): chr15:40,196,613, G>A. VCF-style: chr15-40196613-G-A. GRCh37 (hg19) VCF-style: chr15-40488814-G-A.
Other names: short protein forms G376E.
Identifiers: ClinVar variation 1799387 (VCV001799387.5), dbSNP rs147150527, ClinGen allele CA7475663.
Genomic context (GRCh38, chr15:40,196,613, plus strand): 5'-GTAAAATTGAACCTAGTATAAACCACATCCTAAGCACCAGAAAGCCTGGAAAGGAAGAAG[G>A]AGATCCTCTACAAAGGGTTCAGAGCCATCAGCAAGCGTCTGAGGAGAAGAAAGAGAAGAT-3'
Protein context (NP_001202.5, residues 366-386): LSTRKPGKEE[Gly376Glu]DPLQRVQSHQ